The following is an entry in ClinVar:

ClinVar aggregate classification (germline): Uncertain significance. Review status: criteria provided, multiple submitters, no conflicts (2 of 4 stars). 7 submissions from 7 submitters: Uncertain significance (7). Last evaluated 2026-03-03.

Conditions:
PRKAG2-related disorder. Also called: PRKAG2-related condition; PRKAG2-related disorders.
Cardiovascular phenotype. Identifiers: MedGen CN230736.
Cardiomyopathy (CMYO). Also called: Cardiomyopathies. Identifiers: Orphanet 167848, MedGen C0878544, MONDO:0004994, HP:0001638. Inheritance: Various modes of inheritance.
Hypertrophic cardiomyopathy 6. Identifiers: MedGen C1833236, MONDO:0010946, OMIM 600858.
Lethal congenital glycogen storage disease of heart. Also called: GLYCOGEN STORAGE DISEASE OF HEART; PHOSPHORYLASE KINASE DEFICIENCY OF HEART. Identifiers: Orphanet 439854, MedGen C1849813, MONDO:0009867, OMIM 261740.
Hypertrophic cardiomyopathy. Also called: HYPERTROPHIC MYOCARDIOPATHY. Identifiers: Orphanet 217569, MedGen C0007194, MeSH D002312, MONDO:0005045, HP:0001639.

Allele frequency attached by ClinVar (database versions not stated): gnomAD exomes 0.00001; gnomAD 0.00003 and 0.00004; TOPMed 0.00007.
gnomAD v4.1: 34 of 1,613,732 alleles (0.0021%); highest among the groups gnomAD compares: Middle Eastern, 0.017%; no homozygotes.

Submissions (7):

Ambry Genetics
Classification: Uncertain significance for Cardiovascular phenotype. Last evaluated: 2026-03-03. Review status: criteria provided, single submitter. Criteria: Ambry Variant Classification Scheme 2023. Collection method: clinical testing. Allele origin: germline.

PreventionGenetics, part of Exact Sciences
Classification: Uncertain significance for PRKAG2-related condition. Last evaluated: 2025-12-05. Review status: criteria provided, single submitter. Criteria: ACMG Guidelines, 2015. Collection method: clinical testing. Allele origin: germline.
Comment: The PRKAG2 c.488C>T variant is predicted to result in the amino acid substitution p.Pro163Leu. This variant has been reported as uncertain in an individual with hypertrophic cardiomyopathy (Table S1A, Walsh et al. 2017. PubMed ID: 27532257) and in another individual with dilated cardiomyopathy (Janin et al. 2022. PubMed ID: 35838873). This variant has also been reported in an individual that underwent genome sequencing; however, clinical details were not available (Table S7, Stranneheim et al. 2021. PubMed ID: 33726816). This variant is reported in 0.0029% of alleles in individuals of Latino descent in gnomAD and is interpreted as uncertain in ClinVar (Variation ID: 229172). At this time, the clinical significance of this variant is uncertain due to the absence of conclusive functional and genetic evidence.

Color Diagnostics, LLC DBA Color Health
Classification: Uncertain significance for Cardiomyopathy. Last evaluated: 2025-09-11. Review status: criteria provided, single submitter. Criteria: ACMG Guidelines, 2015. Collection method: clinical testing. Allele origin: germline.
Comment: This missense variant replaces proline with leucine at codon 163 of the PRKAG2 protein. Computational prediction suggests that this variant may not impact protein structure and function. To our knowledge, functional studies have not been reported for this variant. This variant has not been reported in an individual affected with hypertrophic cardiomyopathy (PMID: 27532257). This variant has been identified in 3/251410 chromosomes in the general population by the Genome Aggregation Database (gnomAD). The available evidence is insufficient to determine the role of this variant in disease conclusively. Therefore, this variant is classified as a Variant of Uncertain Significance.

Labcorp Genetics (formerly Invitae), Labcorp
Classification: Uncertain significance for Lethal congenital glycogen storage disease of heart. Last evaluated: 2025-08-11. Review status: criteria provided, single submitter. Criteria: Invitae Variant Classification Sherloc (09022015). Collection method: clinical testing. Allele origin: germline.
Comment: This sequence change replaces proline, which is neutral and non-polar, with leucine, which is neutral and non-polar, at codon 163 of the PRKAG2 protein (p.Pro163Leu). This variant is present in population databases (no rsID available, gnomAD 0.003%). This missense change has been observed in individual(s) with hypertrophic cardiomyopathy or dilated cardiomyopathy (PMID: 27532257, 35838873). ClinVar contains an entry for this variant (Variation ID: 229172). Invitae Evidence Modeling of protein sequence and biophysical properties (such as structural, functional, and spatial information, amino acid conservation, physicochemical variation, residue mobility, and thermodynamic stability) indicates that this missense variant is not expected to disrupt PRKAG2 protein function with a negative predictive value of 95%. In summary, the available evidence is currently insufficient to determine the role of this variant in disease. Therefore, it has been classified as a Variant of Uncertain Significance.

All of Us Research Program, National Institutes of Health
Classification: Uncertain significance for Hypertrophic cardiomyopathy. Last evaluated: 2024-09-23. Review status: criteria provided, single submitter. Criteria: ACMG Guidelines, 2015. Collection method: clinical testing. Allele origin: germline. Inheritance: Autosomal dominant inheritance. Observed: 9 variant alleles, 9 heterozygotes.
Comment: This missense variant replaces proline with leucine at codon 163 of the PRKAG2 protein. Computational prediction suggests that this variant may not impact protein structure and function (internally defined REVEL score threshold <= 0.5, PMID: 27666373). To our knowledge, functional studies have not been reported for this variant. This variant has not been reported in an individual affected with hypertrophic cardiomyopathy (PMID: 27532257). This variant has been identified in 3/251410 chromosomes in the general population by the Genome Aggregation Database (gnomAD). The available evidence is insufficient to determine the role of this variant in disease conclusively. Therefore, this variant is classified as a Variant of Uncertain Significance.

This study involves interpretation of variants in research participants for the purpose of population health screening. Participant phenotype was not available at the time of variant classification. Additional details can be found in publication PMID: 35346344, PMCID: PMC8962531

3billion
Classification: Uncertain significance for Hypertrophic cardiomyopathy 6. Last evaluated: 2023-11-02. Review status: criteria provided, single submitter. Criteria: ACMG Guidelines, 2015. Collection method: clinical testing. Allele origin: germline. Affected: yes.
Comment: The variant is observed at an extremely low frequency in the gnomAD v2.1.1 dataset (total allele frequency: 0.001%). Predicted Consequence/Location: Missense changes are a common disease-causing mechanism. Therefore, this variant is classified as VUS according to the recommendation of ACMG/AMP guideline.

Laboratory for Molecular Medicine, Mass General Brigham Personalized Medicine
Classification: Uncertain significance. Last evaluated: 2015-12-23. Review status: criteria provided, single submitter. Criteria: LMM Criteria. Collection method: clinical testing. Allele origin: germline. Observed: 1 variant allele.
Comment: The p.Pro163Leu variant in PRKAG2 has not been previously reported in individual s with cardiomyopathy and was absent from large population studies. Computationa l prediction tools and conservation analysis suggest that this variant may impac t the protein, though this information is not predictive enough to determine pat hogenicity. In summary, the clinical significance of the p.Pro163Leu variant is uncertain.

Literature cited by the submitters: PubMed 27532257 (cited by 3 submitters); PubMed 35838873 (cited by Labcorp Genetics (formerly Invitae), Labcorp).

NM_016203.4(PRKAG2):c.488C>T (p.Pro163Leu)

Gene: PRKAG2 (protein kinase AMP-activated non-catalytic subunit gamma 2; minus strand). Cytogenetic location: 7q36.1.
Variant type: single nucleotide variant.
Coding change: c.488C>T on transcript NM_016203.4 (MANE Select); coding-DNA position 488, C replaced by T.
Protein change: p.Pro163Leu; replaces proline 163 with leucine.
Molecular consequence: missense variant.
Genome position (GRCh38, 1-based): chr7:151,675,616, G>A on the plus strand (C>T on the coding strand, the complement: PRKAG2 is on the minus strand). VCF-style: chr7-151675616-G-A. GRCh37 (hg19) VCF-style: chr7-151372702-G-A.
Other names: c.356C>T, p.Pro119Leu (NM_001040633.2); c.116C>T, p.Pro39Leu (NM_001304527.2, NM_001363698.2); short protein forms P163L, P39L, P119L.
Identifiers: ClinVar variation 229172 (VCV000229172.22), dbSNP rs876657963, ClinGen allele CA10576723.